The following is an entry in ClinVar:

NM_022051.3(EGLN1):c.924G>A (p.Thr308=)

Gene: EGLN1 (egl-9 family hypoxia inducible factor 1; minus strand). Cytogenetic location: 1q42.2.
Variant type: single nucleotide variant.
Coding change: c.924G>A on transcript NM_022051.3 (MANE Select); coding-DNA position 924, G replaced by A.
Protein change: p.Thr308=; no amino-acid change (threonine 308 retained).
Molecular consequence: synonymous variant.
Genome position (GRCh38, 1-based): chr1:231,374,067, C>T on the plus strand (G>A on the coding strand, the complement: EGLN1 is on the minus strand). VCF-style: chr1-231374067-C-T. GRCh37 (hg19) VCF-style: chr1-231509813-C-T.
Other names: c.924G>A, p.Thr308= (NM_001377260.1, NM_001377261.1).
Identifiers: ClinVar variation 296188 (VCV000296188.29), dbSNP rs201523464, ClinGen allele CA1453059.

ClinVar aggregate classification (germline): Benign/Likely benign. Review status: criteria provided, multiple submitters, no conflicts (2 of 4 stars). 7 submissions from 7 submitters: Benign (1); Likely benign (6). Last evaluated 2026-06-01.

Conditions:
Erythrocytosis, familial, 3 (ECYT3). Identifiers: Orphanet 247511, MedGen C1853286, MONDO:0012353, OMIM 609820.

Allele frequency attached by ClinVar (database versions not stated): TOPMed 0.00006; gnomAD exomes 0.00010 and 0.00011; ExAC 0.00015; 1000 Genomes Project 30x 0.00016; gnomAD 0.00019 and 0.00023; 1000 Genomes Project 0.00020.

Submissions (7):

CeGaT Center for Human Genetics Tuebingen
Classification: Likely benign. Last evaluated: 2026-06-01. Review status: criteria provided, single submitter. Criteria: CeGaT Center For Human Genetics Tuebingen Variant Classification Criteria Version 2. Collection method: clinical testing. Allele origin: germline. Affected: yes. Observed: 4 variant alleles.
Comment: EGLN1: BP4, BP7

Labcorp Genetics (formerly Invitae), Labcorp
Classification: Likely benign for Erythrocytosis, familial, 3. Last evaluated: 2025-11-05. Review status: criteria provided, single submitter. Criteria: Invitae Variant Classification Sherloc (09022015). Collection method: clinical testing. Allele origin: germline.

Blueprint Genetics
Classification: Likely benign. Last evaluated: 2024-05-21. Review status: criteria provided, single submitter. Criteria: ACMG Guidelines, 2015. Collection method: clinical testing. Allele origin: germline.

ARUP Laboratories, Molecular Genetics and Genomics, ARUP Laboratories
Classification: Benign. Last evaluated: 2023-04-20. Review status: criteria provided, single submitter. Criteria: ARUP Molecular Germline Variant Investigation Process 2024. Collection method: clinical testing. Allele origin: germline.

Ambry Genetics
Classification: Likely benign. Last evaluated: 2022-02-12. Review status: criteria provided, single submitter. Criteria: Ambry Variant Classification Scheme 2023. Collection method: clinical testing. Allele origin: germline.

Illumina Laboratory Services, Illumina
Classification: Likely benign for Erythrocytosis, familial, 3. Last evaluated: 2017-04-27. Review status: criteria provided, single submitter. Criteria: ICSL Variant Classification Criteria 13 December 2019. Collection method: clinical testing. Allele origin: germline.
Comment: This variant was observed as part of a predisposition screen in an ostensibly healthy population. A literature search was performed for the gene, cDNA change, and amino acid change (where applicable). No publications were found based on this search. Allele frequency data from public databases allowed determination this variant is unlikely to cause disease. Therefore, this variant is classified as likely benign.

Breakthrough Genomics
Classification: Likely benign. Review status: criteria provided, single submitter. Criteria: ACMG Guidelines, 2015. Collection method: not provided. Allele origin: germline. Inheritance: Autosomal dominant inheritance. Affected: yes.